The following is an entry in ClinVar:

ClinVar aggregate classification (germline): Uncertain significance (1 of 4 stars; one submission).

Conditions:
Beckwith-Wiedemann syndrome (BWS). Also called: Exomphalos macroglossia gigantism syndrome; EMG SYNDROME. Identifiers: Orphanet 116, MedGen C0004903, MONDO:0007534, OMIM 130650.

gnomAD v4.1: 1 of 1,487,320 alleles (0.000067%); highest among the groups gnomAD compares: Non-Finnish European, 0.000089%; no homozygotes.

Submission:

Labcorp Genetics (formerly Invitae), Labcorp
Classification: Uncertain significance for Beckwith-Wiedemann syndrome. Last evaluated: 2018-11-29. Review status: criteria provided, single submitter. Criteria: Invitae Variant Classification Sherloc (09022015). Collection method: clinical testing. Allele origin: germline.
Comment: This sequence change affects codon 234 of the CDKN1C mRNA. It is a 'silent' change, meaning that it does not change the encoded amino acid sequence of the CDKN1C protein. This variant is not present in population databases (ExAC no frequency). This variant has not been reported in the literature in individuals with CDKN1C-related conditions. Algorithms developed to predict the effect of sequence changes on RNA splicing suggest that this variant may create or strengthen a splice site, but this prediction has not been confirmed by published transcriptional studies. In summary, the available evidence is currently insufficient to determine the role of this variant in disease. Therefore, it has been classified as a Variant of Uncertain Significance.

NM_001122630.2(CDKN1C):c.669C>T (p.Gly223=)

Gene: CDKN1C (cyclin dependent kinase inhibitor 1C; minus strand). Cytogenetic location: 11p15.4.
Variant type: single nucleotide variant.
Coding change: c.669C>T on transcript NM_001122630.2 (MANE Select); coding-DNA position 669, C replaced by T.
Protein change: p.Gly223=; no amino-acid change (glycine 223 retained).
Molecular consequence: synonymous variant. On other transcripts: intron variant (1).
Genome position (GRCh38, 1-based): chr11:2,884,788, G>A on the plus strand (C>T on the coding strand, the complement: CDKN1C is on the minus strand). VCF-style: chr11-2884788-G-A. GRCh37 (hg19) VCF-style: chr11-2906018-G-A.
Other names: c.702C>T, p.Gly234= (LRG_533t1, NM_000076.2, NM_001362474.2); c.669C>T, p.Gly223= (NM_001122631.2); c.255+414C>T (NM_001362475.2).
Identifiers: ClinVar variation 648301 (VCV000648301.1), dbSNP rs546016935, ClinGen allele CA472483436.